The following is an entry in ClinVar:

ClinVar aggregate classification (germline): Pathogenic (1 of 4 stars; one submission).

Conditions:
Spastic paraplegia. Identifiers: MedGen C0037772, HP:0001258.

Submission:

Labcorp Genetics (formerly Invitae), Labcorp
Classification: Pathogenic for Spastic paraplegia. Last evaluated: 2023-11-17. Review status: criteria provided, single submitter. Criteria: Invitae Variant Classification Sherloc (09022015). Collection method: clinical testing. Allele origin: germline.
Comment: This sequence change creates a premature translational stop signal (p.Val2011Cysfs*2) in the ZFYVE26 gene. It is expected to result in an absent or disrupted protein product. Loss-of-function variants in ZFYVE26 are known to be pathogenic (PMID: 18394578, 19805727). This variant is not present in population databases (gnomAD no frequency). This variant has not been reported in the literature in individuals affected with ZFYVE26-related conditions. For these reasons, this variant has been classified as Pathogenic.

Literature cited by the submitters: PubMed 18394578; PubMed 19805727.

NM_015346.4(ZFYVE26):c.6031del (p.Val2011fs)

Gene: ZFYVE26 (zinc finger FYVE-type containing 26; minus strand). Cytogenetic location: 14q24.1.
Variant type: Deletion.
Coding change: c.6031del on transcript NM_015346.4 (MANE Select); coding-DNA position 6031, one base deleted (G; older notation c.6031delG).
Protein change: p.Val2011fs; shifts the reading frame from valine 2011.
Molecular consequence: frameshift variant.
Genome position (GRCh38, 1-based): chr14:67,762,800, C deleted on the plus strand (G on the coding strand, the reverse complement: ZFYVE26 is on the minus strand). VCF-style (leftmost placement, unchanged base first): chr14-67762799-AC-A. GRCh37 (hg19) VCF-style: chr14-68229516-AC-A.
Other names: short protein forms V2011fs.
Identifiers: ClinVar variation 2696626 (VCV002696626.3), dbSNP rs2503969338, ClinGen allele CA2697554004.
Genomic context (GRCh38, chr14:67,762,799, plus strand): 5'-TGCAAGATCTGATCCAAAGATGGCACGTGGCGATAGGCAGCAGCAACTAAAATATTCAGC[AC>A]ATCTACCTTGCTGATGTAGCTACAAGGAGGAAAAGGGCAAGGCCATGAGGCTCCCTAGTG-3'